The following is an entry in ClinVar:

NM_001018115.3(FANCD2):c.2757dup (p.Asn920Ter)

Genes: FANCD2 (FA complementation group D2; plus strand), LOC107303338 (3p25 FANCD2 Alu-mediated recombination region; plus strand). Cytogenetic location: 3p25.3.
Variant type: Duplication.
Coding change: c.2757dup on transcript NM_001018115.3 (MANE Select); coding-DNA position 2757, one base duplicated (T; older notation c.2757dupT).
Protein change: p.Asn920Ter; replaces asparagine 920 with a stop codon.
Molecular consequence: nonsense.
Genome position (GRCh38, 1-based): chr3:10,074,571, T duplicated. VCF-style (leftmost placement, unchanged base first): chr3-10074570-A-AT. GRCh37 (hg19) VCF-style: chr3-10116254-A-AT.
Other names: c.2757dup, p.Asn920Ter (NM_001319984.2, NM_001374254.1, NM_033084.6); c.2646dup, p.Asn883Ter (NM_001374253.1); c.2757dup (NM_033084.4); short protein forms N920*, N883*.
Identifiers: ClinVar variation 2077162 (VCV002077162.5), dbSNP rs1693432220, ClinGen allele CA1345032371.
Genomic context (GRCh38, chr3:10,074,570, plus strand): 5'-TTGCTGTGACTTCCCCATAGGAGTTCACAGGGAAGGAAGAAAAGACATCATTGTTACTAC[A>AT]TAATTCCCATGCTTTTTTCCGAGAGCTGGACATTGAGGTCTTCTCTATTCTACATTGTGG-3'

ClinVar aggregate classification (germline): Pathogenic/Likely pathogenic. Review status: criteria provided, multiple submitters, no conflicts (2 of 4 stars). 2 submissions from 2 submitters: Pathogenic (1); Likely pathogenic (1). Last evaluated 2024-05-05.

Conditions:
Fanconi anemia (FA). Also called: Fanconi's anemia. Identifiers: Orphanet 84, MedGen C0015625, MeSH D005199, MONDO:0019391.
Fanconi anemia complementation group D2. Also called: FANCD2-Related Fanconi Anemia; FANCONI PANCYTOPENIA, TYPE 4; FANCONI ANEMIA, COMPLEMENTATION GROUP D. Identifiers: Orphanet 84, MedGen C3160738, MONDO:0009214, OMIM 227646.

Allele frequency attached by ClinVar (database versions not stated): gnomAD exomes below 0.00001; TOPMed below 0.00001.

Submissions (2):

Fulgent Genetics
Classification: Likely pathogenic for Fanconi anemia complementation group D2. Last evaluated: 2024-05-05. Review status: criteria provided, single submitter. Criteria: ACMG Guidelines, 2015. Collection method: clinical testing. Allele origin: germline.

Labcorp Genetics (formerly Invitae), Labcorp
Classification: Pathogenic for Fanconi anemia. Last evaluated: 2024-02-06. Review status: criteria provided, single submitter. Criteria: Invitae Variant Classification Sherloc (09022015). Collection method: clinical testing. Allele origin: germline.
Comment: This sequence change creates a premature translational stop signal (p.Asn920*) in the FANCD2 gene. It is expected to result in an absent or disrupted protein product. Loss-of-function variants in FANCD2 are known to be pathogenic (PMID: 17436244). This variant is not present in population databases (gnomAD no frequency). This variant has not been reported in the literature in individuals affected with FANCD2-related conditions. ClinVar contains an entry for this variant (Variation ID: 2077162). For these reasons, this variant has been classified as Pathogenic.

Literature cited by the submitters: PubMed 17436244 (cited by Labcorp Genetics (formerly Invitae), Labcorp).